The following is an entry in ClinVar:

NM_182916.3(TRNT1):c.149-6_149-2del

Gene: TRNT1 (tRNA nucleotidyl transferase 1; plus strand). Cytogenetic location: 3p26.2.
Variant type: Microsatellite.
Coding change: c.149-6_149-2del on transcript NM_182916.3 (MANE Select); 6 bases into the intron before coding-DNA position 149 through the canonical splice acceptor site of the intron before coding-DNA position 149, 5 bases deleted (TCTCA; older notation c.149-6_149-2delTCTCA).
Molecular consequence: splice acceptor variant.
Genome position (GRCh38, 1-based): chr3:3,137,254-3,137,258, TCTCA deleted; deleting any 5 consecutive bases within chr3:3,137,249-3,137,258 gives the same sequence; the c. name uses the placement nearest the transcript's 3' end. VCF-style (leftmost placement, unchanged base first): chr3-3137248-CTCTCA-C. GRCh37 (hg19) VCF-style: chr3-3178932-CTCTCA-C.
Other names: c.149-6_149-2del (NM_001367321.1, NM_001367323.1, NM_001367322.1 and 1 more transcripts).
Identifiers: ClinVar variation 2161495 (VCV002161495.4), dbSNP rs2471280182, ClinGen allele CA2580614122.

ClinVar aggregate classification (germline): Uncertain significance (1 of 4 stars; one submission).

Conditions:
Congenital sideroblastic anemia-B-cell immunodeficiency-periodic fever-developmental delay syndrome. Also called: Sideroblastic anemia with B-cell immunodeficiency, periodic fevers, and developmental delay. Identifiers: Orphanet 369861, MedGen C4015172, MONDO:0014487, OMIM 616084.

Submission:

Labcorp Genetics (formerly Invitae), Labcorp
Classification: Uncertain significance for Congenital sideroblastic anemia-B-cell immunodeficiency-periodic fever-developmental delay syndrome. Last evaluated: 2025-03-17. Review status: criteria provided, single submitter. Criteria: Invitae Variant Classification Sherloc (09022015). Collection method: clinical testing. Allele origin: germline.
Comment: This sequence change falls in intron 2 of the TRNT1 gene. It does not directly change the encoded amino acid sequence of the TRNT1 protein. This variant is not present in population databases (gnomAD no frequency). This variant has not been reported in the literature in individuals affected with TRNT1-related conditions. Algorithms developed to predict the effect of sequence changes on RNA splicing suggest that this variant may disrupt the consensus splice site. In summary, the available evidence is currently insufficient to determine the role of this variant in disease. Therefore, it has been classified as a Variant of Uncertain Significance.